The following is an entry in ClinVar:

NM_004369.4(COL6A3):c.466G>T (p.Asp156Tyr)

Gene: COL6A3 (collagen type VI alpha 3 chain; minus strand). Cytogenetic location: 2q37.3.
Variant type: single nucleotide variant.
Coding change: c.466G>T on transcript NM_004369.4 (MANE Select); coding-DNA position 466, G replaced by T.
Protein change: p.Asp156Tyr; replaces aspartic acid 156 with tyrosine.
Molecular consequence: missense variant. On other transcripts: intron variant (4).
Genome position (GRCh38, 1-based): chr2:237,394,830, C>A on the plus strand (G>T on the coding strand, the complement: COL6A3 is on the minus strand). VCF-style: chr2-237394830-C-A. GRCh37 (hg19) VCF-style: chr2-238303473-C-A.
Other names: c.91+1897G>T (NM_057166.5, NM_057167.4, NM_057164.5 and 1 more transcripts); short protein forms D156Y.
Identifiers: ClinVar variation 335144 (VCV000335144.30), dbSNP rs199632952, ClinGen allele CA2189859.
Genomic context (GRCh38, chr2:237,394,830, plus strand): 5'-CAATTGCAAACACGTTAACATCAGCAGACTTAAGTTCCGCTGAGGGCAGAGCAAGGCCAT[C>A]CTTCGAGTGTCCATCAGTTAACACTACGATAACCTGAGGGACTCCGTCACCGGCCCGGCT-3'
Protein context (NP_004360.2, residues 146-166): IVVLTDGHSK[Asp156Tyr]GLALPSAELK

ClinVar aggregate classification (germline): Conflicting classifications of pathogenicity. Review status: criteria provided, conflicting classifications (1 of 4 stars). 7 submissions from 7 submitters: Uncertain significance (4); Benign (1); Likely benign (2). Last evaluated 2025-07-03.

Conditions:
Collagen 6-related myopathy. Identifiers: MedGen CN117976, MONDO:0100225.
Dystonia 27 (DYT27). Identifiers: Orphanet 464440, MedGen C4225336, MONDO:0014627, OMIM 616411.
Bethlem myopathy 1C (BTHLM1C). Identifiers: MedGen C5935581, MONDO:0958234, OMIM 620726.
Ullrich congenital muscular dystrophy 1C (UCMD1C). Identifiers: MedGen C5935583, MONDO:0958236, OMIM 620728.
Inborn genetic diseases. Identifiers: MedGen C0950123, MeSH D030342.
Bethlem myopathy 1A. Also called: MYOPATHY, BENIGN CONGENITAL, WITH CONTRACTURES; Bethlem myopathy 1; Bethlem Muscular Dystrophy. Identifiers: Orphanet 610, MedGen CN029274, MONDO:0024530, OMIM 158810.

Allele frequency attached by ClinVar (database versions not stated): gnomAD exomes 0.00005 and 0.00025; gnomAD 0.00009 and 0.00011; 1000 Genomes Project 30x 0.00016; 1000 Genomes Project 0.00020; TOPMed 0.00025; ExAC 0.00027.
gnomAD v4.1: 104 of 1,614,130 alleles (0.0064%); highest among the groups gnomAD compares: East Asian, 0.19%; no homozygotes.

Submissions (7):

Labcorp Genetics (formerly Invitae), Labcorp
Classification: Likely benign for Bethlem myopathy 1A. Last evaluated: 2025-07-03. Review status: criteria provided, single submitter. Criteria: Invitae Variant Classification Sherloc (09022015). Collection method: clinical testing. Allele origin: germline.

Ambry Genetics
Classification: Uncertain significance for Inborn genetic diseases. Last evaluated: 2025-06-11. Review status: criteria provided, single submitter. Criteria: Ambry Variant Classification Scheme 2023. Collection method: clinical testing. Allele origin: germline.

Fulgent Genetics
Classification: Uncertain significance for Dystonia 27; Bethlem myopathy 1C; Ullrich congenital muscular dystrophy 1C. Last evaluated: 2024-03-21. Review status: criteria provided, single submitter. Criteria: ACMG Guidelines, 2015. Collection method: clinical testing. Allele origin: germline.

Revvity Omics, Revvity
Classification: Likely benign. Last evaluated: 2024-02-20. Review status: criteria provided, single submitter. Criteria: ACMG Guidelines, 2015. Collection method: clinical testing. Allele origin: germline.

GeneDx
Classification: Uncertain significance. Last evaluated: 2019-03-05. Review status: criteria provided, single submitter. Criteria: GeneDx Variant Classification Process June 2021. Collection method: clinical testing. Allele origin: germline. Affected: yes.
Comment: In silico analysis, which includes protein predictors and evolutionary conservation, supports a deleterious effect; Has not been previously published as pathogenic or benign to our knowledge

Eurofins Ntd Llc (ga)
Classification: Uncertain significance. Last evaluated: 2018-08-02. Review status: criteria provided, single submitter. Criteria: EGL ClinVar v180209 classification definitions. Collection method: clinical testing. Allele origin: germline. Observed: 1 variant allele, 1 heterozygote.

Illumina Laboratory Services, Illumina
Classification: Benign for Collagen VI-related myopathy. Last evaluated: 2018-01-13. Review status: criteria provided, single submitter. Criteria: ICSL Variant Classification Criteria 13 December 2019. Collection method: clinical testing. Allele origin: germline.
Comment: This variant was observed in the ICSL laboratory as part of a predisposition screen in an ostensibly healthy population. It had not been previously curated by ICSL or reported in the Human Gene Mutation Database (HGMD: prior to June 1st, 2018), and was therefore a candidate for classification through an automated scoring system. Utilizing variant allele frequency, disease prevalence and penetrance estimates, and inheritance mode, an automated score was calculated to assess if this variant is too frequent to cause the disease. Based on the score and internal cut-off values, a variant classified as benign is not then subjected to further curation. The score for this variant resulted in a classification of benign for this disease.